The following is an entry in ClinVar:

NM_003573.2(LTBP4):c.284_285del (p.Gly95fs)

Gene: LTBP4 (latent transforming growth factor beta binding protein 4; plus strand). Cytogenetic location: 19q13.2.
Variant type: Deletion.
Coding change: c.284_285del on transcript NM_003573.2; coding-DNA positions 284 to 285, 2 bases deleted (GC; older notation c.284_285delGC).
Protein change: p.Gly95fs; shifts the reading frame from glycine 95.
Molecular consequence: frameshift variant.
Genome position (GRCh38, 1-based): chr19:40,600,121-40,600,122, GC deleted. VCF-style (leftmost placement, unchanged base first): chr19-40600120-GGC-G. GRCh37 (hg19) VCF-style: chr19-41106026-GGC-G.
Other names: c.395_396del, p.Gly132fs (NM_001042544.1); short protein forms G132fs, G95fs.
Identifiers: ClinVar variation 3721658 (VCV003721658.2).

ClinVar aggregate classification (germline): Pathogenic (1 of 4 stars; one submission).

Submission:

Labcorp Genetics (formerly Invitae), Labcorp
Classification: Pathogenic. Last evaluated: 2024-09-27. Review status: criteria provided, single submitter. Criteria: Invitae Variant Classification Sherloc (09022015). Collection method: clinical testing. Allele origin: germline.
Comment: This sequence change creates a premature translational stop signal (p.Gly95Alafs*35) in the LTBP4 gene. It is expected to result in an absent or disrupted protein product. Loss-of-function variants in LTBP4 are known to be pathogenic (PMID: 19836010, 22829427). This variant is not present in population databases (gnomAD no frequency). This variant has not been reported in the literature in individuals affected with LTBP4-related conditions. For these reasons, this variant has been classified as Pathogenic.

Literature cited by the submitters: PubMed 19836010; PubMed 22829427.